The following is an entry in ClinVar:

NM_020964.3(EPG5):c.6353_6356del (p.Val2118fs)

Gene: EPG5 (ectopic P-granules 5 autophagy tethering factor; minus strand). Cytogenetic location: 18q12.3.
Variant type: Deletion.
Coding change: c.6353_6356del on transcript NM_020964.3 (MANE Select); coding-DNA positions 6353 to 6356, 4 bases deleted (TCTG; older notation c.6353_6356delTCTG).
Protein change: p.Val2118fs; shifts the reading frame from valine 2118.
Molecular consequence: frameshift variant.
Genome position (GRCh38, 1-based): chr18:45,867,618-45,867,621, CAGA deleted on the plus strand (TCTG on the coding strand, the reverse complement: EPG5 is on the minus strand); deleting any 4 consecutive bases within chr18:45,867,618-45,867,623 gives the same sequence; the c. name uses the placement nearest the transcript's 3' end. VCF-style (leftmost placement, unchanged base first): chr18-45867617-GCAGA-G. GRCh37 (hg19) VCF-style: chr18-43447582-GCAGA-G.
Other names: c.6353_6356del, p.Val2118fs (LRG_1234t1); short protein forms V2118fs.
Identifiers: ClinVar variation 652177 (VCV000652177.7), dbSNP rs1599447883, ClinGen allele CA915952516.

ClinVar aggregate classification (germline): Pathogenic (1 of 4 stars; one submission).

Conditions:
Vici syndrome (VICIS). Identifiers: Orphanet 1493, MedGen C1855772, MONDO:0009452, OMIM 242840.

Submission:

Labcorp Genetics (formerly Invitae), Labcorp
Classification: Pathogenic for Vici syndrome. Last evaluated: 2022-06-20. Review status: criteria provided, single submitter. Criteria: Invitae Variant Classification Sherloc (09022015). Collection method: clinical testing. Allele origin: germline.
Comment: This sequence change creates a premature translational stop signal (p.Val2118Alafs*5) in the EPG5 gene. It is expected to result in an absent or disrupted protein product. Loss-of-function variants in EPG5 are known to be pathogenic (PMID: 23222957, 23674064). This variant is not present in population databases (gnomAD no frequency). For these reasons, this variant has been classified as Pathogenic. ClinVar contains an entry for this variant (Variation ID: 652177). This variant has not been reported in the literature in individuals affected with EPG5-related conditions.

Literature cited by the submitters: PubMed 23222957; PubMed 23674064.